The following is an entry in ClinVar:

ClinVar aggregate classification (germline): Uncertain significance (1 of 4 stars; one submission).

gnomAD v4.1: 2 of 1,613,900 alleles (0.00012%); highest among the groups gnomAD compares: Non-Finnish European, 0.00017%; no homozygotes.

Submission:

CeGaT Center for Human Genetics Tuebingen
Classification: Uncertain significance. Last evaluated: 2022-08-01. Review status: criteria provided, single submitter. Criteria: CeGaT Center For Human Genetics Tuebingen Variant Classification Criteria Version 2. Collection method: clinical testing. Allele origin: germline. Affected: yes. Observed: 1 variant allele.
Comment: STAT4: PM2, BP4

NM_003151.4(STAT4):c.442G>A (p.Ala148Thr)

Gene: STAT4 (signal transducer and activator of transcription 4; minus strand). Cytogenetic location: 2q32.2.
Variant type: single nucleotide variant.
Coding change: c.442G>A on transcript NM_003151.4 (MANE Select); coding-DNA position 442, G replaced by A.
Protein change: p.Ala148Thr; replaces alanine 148 with threonine.
Molecular consequence: missense variant.
Genome position (GRCh38, 1-based): chr2:191,073,121, C>T on the plus strand (G>A on the coding strand, the complement: STAT4 is on the minus strand). VCF-style: chr2-191073121-C-T. GRCh37 (hg19) VCF-style: chr2-191937847-C-T.
Other names: c.442G>A, p.Ala148Thr (NM_001243835.2); short protein forms A148T.
Identifiers: ClinVar variation 2651771 (VCV002651771.24), dbSNP rs747495835, ClinGen allele CA349919533.